The following is an entry in ClinVar:

ClinVar aggregate classification (germline): Uncertain significance (1 of 4 stars; one submission).

Submission:

Labcorp Genetics (formerly Invitae), Labcorp
Classification: Uncertain significance. Last evaluated: 2023-04-13. Review status: criteria provided, single submitter. Criteria: Invitae Variant Classification Sherloc (09022015). Collection method: clinical testing. Allele origin: germline.
Comment: This variant, c.3358_3363del, results in the deletion of 2 amino acid(s) of the ABCA4 protein (p.Met1120_Asp1121del), but otherwise preserves the integrity of the reading frame. In summary, the available evidence is currently insufficient to determine the role of this variant in disease. Therefore, it has been classified as a Variant of Uncertain Significance. Experimental studies and prediction algorithms are not available or were not evaluated, and the functional significance of this variant is currently unknown. This variant has been observed in individual(s) with clinical features of ABCA4-related condition (Invitae). In at least one individual the data is consistent with being in trans (on the opposite chromosome) from a pathogenic variant. This variant is not present in population databases (gnomAD no frequency).

NM_000350.3(ABCA4):c.3358_3363del (p.Met1120_Asp1121del)

Gene: ABCA4 (ATP binding cassette subfamily A member 4; minus strand). Cytogenetic location: 1p22.1.
Variant type: Deletion.
Coding change: c.3358_3363del on transcript NM_000350.3 (MANE Select); coding-DNA positions 3358 to 3363, 6 bases deleted (ATGGAC; older notation c.3358_3363delATGGAC).
Protein change: p.Met1120_Asp1121del.
Molecular consequence: inframe deletion. On other transcripts: inframe indel (1).
Genome position (GRCh38, 1-based): chr1:94,041,368-94,041,373, GTCCAT deleted on the plus strand (ATGGAC on the coding strand, the reverse complement: ABCA4 is on the minus strand); deleting any 6 consecutive bases within chr1:94,041,368-94,041,375 gives the same sequence; the c. name uses the placement nearest the transcript's 3' end. VCF-style (leftmost placement, unchanged base first): chr1-94041367-CGTCCAT-C. GRCh37 (hg19) VCF-style: chr1-94506923-CGTCCAT-C.
Other names: c.3134_3139delACATGG, p.Met1046_Asp1047del (NM_001425324.1).
Identifiers: ClinVar variation 2843888 (VCV002843888.3), dbSNP rs2523765700, ClinGen allele CA2739272727.